The following is an entry in ClinVar:

ClinVar aggregate classification (germline): Uncertain significance. Review status: criteria provided, multiple submitters, no conflicts (2 of 4 stars). 3 submissions from 3 submitters: Uncertain significance (3). Last evaluated 2023-10-09.

Conditions:
Hereditary cancer-predisposing syndrome. Also called: Neoplastic Syndromes, Hereditary; Tumor predisposition; Hereditary Cancer Syndrome; Hereditary neoplastic syndrome. Identifiers: Orphanet 140162, MedGen C0027672, MeSH D009386, MONDO:0015356.
Hereditary breast ovarian cancer syndrome. Also called: Hereditary breast and/or ovarian cancer syndrome; Hereditary breast and ovarian cancer; Hereditary breast and ovarian cancer syndrome (HBOC); Hereditary breast and ovarian cancer syndrome; Breast and ovarian cancer; BRCA1- and BRCA2-Associated Hereditary Breast and Ovarian Cancer. Identifiers: Orphanet 145, MedGen C0677776, MeSH D061325, MONDO:0003582. Disease mechanism: loss of function.

Allele frequency attached by ClinVar (database versions not stated): gnomAD exomes below 0.00001.
gnomAD v4.1: 2 of 1,613,612 alleles (0.00012%); highest among the groups gnomAD compares: South Asian, 0.0022%; no homozygotes.

Submissions (3):

Color Diagnostics, LLC DBA Color Health
Classification: Uncertain significance for Hereditary cancer-predisposing syndrome. Last evaluated: 2023-10-09. Review status: criteria provided, single submitter. Criteria: ACMG Guidelines, 2015. Collection method: clinical testing. Allele origin: germline.
Comment: This missense variant replaces glutamic acid with lysine at codon 975 of the BRIP1 protein. Computational prediction suggests that this variant may not impact protein structure and function (internally defined REVEL score threshold <= 0.5, PMID: 27666373). To our knowledge, functional studies have not been reported for this variant. This variant has not been reported in individuals affected with BRIP1-related disorders in the literature. This variant has not been identified in the general population by the Genome Aggregation Database (gnomAD). The available evidence is insufficient to determine the role of this variant in disease conclusively. Therefore, this variant is classified as a Variant of Uncertain Significance.

Department of Pathology and Laboratory Medicine, Sinai Health System
Classification: Uncertain significance for Hereditary breast ovarian cancer syndrome. Last evaluated: 2023-07-10. Review status: criteria provided, single submitter. Criteria: ACMG Guidelines, 2015. Collection method: clinical testing. Allele origin: germline. Affected: yes.

Ambry Genetics
Classification: Uncertain significance for Hereditary cancer-predisposing syndrome. Last evaluated: 2022-08-09. Review status: criteria provided, single submitter. Criteria: Ambry Variant Classification Scheme 2023. Collection method: clinical testing. Allele origin: germline.
Comment: The p.E975K variant (also known as c.2923G>A), located in coding exon 19 of the BRIP1 gene, results from a G to A substitution at nucleotide position 2923. The glutamic acid at codon 975 is replaced by lysine, an amino acid with similar properties. This amino acid position is conserved. In addition, this alteration is predicted to be tolerated by in silico analysis. Since supporting evidence is limited at this time, the clinical significance of this alteration remains unclear.

NM_032043.3(BRIP1):c.2923G>A (p.Glu975Lys)

Gene: BRIP1 (BRCA1 interacting DNA helicase 1; minus strand). Cytogenetic location: 17q23.2.
Variant type: single nucleotide variant.
Coding change: c.2923G>A on transcript NM_032043.3 (MANE Select); coding-DNA position 2923, G replaced by A.
Protein change: p.Glu975Lys; replaces glutamic acid 975 with lysine.
Molecular consequence: missense variant.
Genome position (GRCh38, 1-based): chr17:61,684,123, C>T on the plus strand (G>A on the coding strand, the complement: BRIP1 is on the minus strand). VCF-style: chr17-61684123-C-T. GRCh37 (hg19) VCF-style: chr17-59761484-C-T.
Other names: short protein forms E975K.
Identifiers: ClinVar variation 1797735 (VCV001797735.5), dbSNP rs1603275707, ClinGen allele CA400480738.